The following is an entry in ClinVar:

NM_002528.7(NTHL1):c.65G>A (p.Arg22Gln)

Gene: NTHL1 (nth like DNA glycosylase 1; minus strand). Cytogenetic location: 16p13.3.
Variant type: single nucleotide variant.
Coding change: c.65G>A on transcript NM_002528.7 (MANE Select); coding-DNA position 65, G replaced by A.
Protein change: p.Arg22Gln; replaces arginine 22 with glutamine.
Molecular consequence: missense variant. On other transcripts: 5 prime UTR variant (1).
Genome position (GRCh38, 1-based): chr16:2,047,759, C>T on the plus strand (G>A on the coding strand, the complement: NTHL1 is on the minus strand). VCF-style: chr16-2047759-C-T. GRCh37 (hg19) VCF-style: chr16-2097760-C-T.
Other names: c.65G>A, p.Arg22Gln (NM_001318193.2); c.-114G>A (NM_001318194.2); c.89G>A (NM_002528.5); short protein forms R22Q.
Identifiers: ClinVar variation 2691962 (VCV002691962.5), dbSNP rs779612126, ClinGen allele CA394298427.
Genomic context (GRCh38, chr16:2,047,759, plus strand): 5'-GCGGCGCTACCTGCTGCAGCCTCTCTTCTCCGGAGAGGCCCGGGCTCCTCCCTACACCCC[C>T]GCGGCCCAGCCCCGGGTCCCAGGCTCCGGCTCCGGGTCAGCATCCTCGCGCTCAAGGCGG-3'
Protein context (NP_002519.2, residues 12-32): SRSLGPGAGP[Arg22Gln]GCREEPGPLR

ClinVar aggregate classification (germline): Uncertain significance. Review status: criteria provided, multiple submitters, no conflicts (2 of 4 stars). 3 submissions from 3 submitters: Uncertain significance (3). Last evaluated 2025-10-03.

Conditions:
Hereditary cancer-predisposing syndrome. Also called: Neoplastic Syndromes, Hereditary; Hereditary Cancer Syndrome; Tumor predisposition; Hereditary neoplastic syndrome. Identifiers: Orphanet 140162, MedGen C0027672, MeSH D009386, MONDO:0015356.

gnomAD v4.1: 2 of 1,586,482 alleles (0.00013%); highest among the groups gnomAD compares: Non-Finnish European, 0.00017%; no homozygotes.

Submissions (3):

Ambry Genetics
Classification: Uncertain significance for Hereditary cancer-predisposing syndrome. Last evaluated: 2025-10-03. Review status: criteria provided, single submitter. Criteria: Ambry Variant Classification Scheme 2023. Collection method: clinical testing. Allele origin: germline.
Comment: The p.R30Q variant (also known as c.89G>A), located in coding exon 1 of the NTHL1 gene, results from a G to A substitution at nucleotide position 89. The arginine at codon 30 is replaced by glutamine, an amino acid with highly similar properties. This amino acid position is conserved. In addition, this alteration is predicted to be tolerated by in silico analysis. Based on the available evidence, the clinical significance of this variant remains unclear.

Center for Genomic Medicine, Rigshospitalet, Copenhagen University Hospital
Classification: Uncertain significance. Last evaluated: 2025-03-04. Review status: criteria provided, single submitter. Criteria: ACMG Guidelines, 2015. Collection method: clinical testing. Allele origin: germline.

Labcorp Genetics (formerly Invitae), Labcorp
Classification: Uncertain significance. Last evaluated: 2024-06-14. Review status: criteria provided, single submitter. Criteria: Invitae Variant Classification Sherloc (09022015). Collection method: clinical testing. Allele origin: germline.
Comment: This sequence change replaces arginine, which is basic and polar, with glutamine, which is neutral and polar, at codon 30 of the NTHL1 protein (p.Arg30Gln). This variant is not present in population databases (gnomAD no frequency). This variant has not been reported in the literature in individuals affected with NTHL1-related conditions. Algorithms developed to predict the effect of missense changes on protein structure and function output the following: SIFT: "Not Available"; PolyPhen-2: "Benign"; Align-GVGD: "Not Available". The glutamine amino acid residue is found in multiple mammalian species, which suggests that this missense change does not adversely affect protein function. In summary, the available evidence is currently insufficient to determine the role of this variant in disease. Therefore, it has been classified as a Variant of Uncertain Significance.